The following is an entry in ClinVar:

ClinVar aggregate classification (germline): Uncertain significance (1 of 4 stars; one submission).

Allele frequency attached by ClinVar (database versions not stated): TOPMed below 0.00001; gnomAD 0.00001; gnomAD exomes 0.00001.
gnomAD v4.1: 4 of 1,208,130 alleles (0.00033%); highest among the groups gnomAD compares: Non-Finnish European, 0.00045%; no homozygotes.

Submission:

GeneDx
Classification: Uncertain significance. Last evaluated: 2021-07-02. Review status: criteria provided, single submitter. Criteria: GeneDx Variant Classification Process June 2021. Collection method: clinical testing. Allele origin: germline. Affected: yes.
Comment: Not observed at significant frequency in large population cohorts (Lek et al., 2016); In silico analysis supports that this missense variant does not alter protein structure/function; Has not been previously published as pathogenic or benign to our knowledge; This variant is associated with the following publications: (PMID: 27535533)

NM_031407.7(HUWE1):c.10942T>C (p.Tyr3648His)

Gene: HUWE1 (HECT, UBA and WWE domain containing E3 ubiquitin protein ligase 1; minus strand). Cytogenetic location: Xp11.22.
Variant type: single nucleotide variant.
Coding change: c.10942T>C on transcript NM_031407.7 (MANE Select); coding-DNA position 10942, T replaced by C.
Protein change: p.Tyr3648His; replaces tyrosine 3648 with histidine.
Molecular consequence: missense variant.
Genome position (GRCh38, 1-based): chrX:53,545,135, A>G on the plus strand (T>C on the coding strand, the complement: HUWE1 is on the minus strand). VCF-style: chrX-53545135-A-G. GRCh37 (hg19) VCF-style: chrX-53572096-A-G.
Other names: short protein forms Y3648H.
Identifiers: ClinVar variation 1331125 (VCV001331125.2), dbSNP rs1053063337, ClinGen allele CA329186519.